The following is an entry in ClinVar:

NM_000108.5(DLD):c.507C>T (p.Gly169=)

Gene: DLD (dihydrolipoamide dehydrogenase; plus strand). Cytogenetic location: 7q31.1.
Variant type: single nucleotide variant.
Coding change: c.507C>T on transcript NM_000108.5 (MANE Select); coding-DNA position 507, C replaced by T.
Protein change: p.Gly169=; no amino-acid change (glycine 169 retained).
Molecular consequence: synonymous variant. On other transcripts: intron variant (1).
Genome position (GRCh38, 1-based): chr7:107,905,429, C>T. VCF-style: chr7-107905429-C-T. GRCh37 (hg19) VCF-style: chr7-107545874-C-T.
Other names: p.Gly169=; c.210C>T, p.Gly70= (NM_001289750.1); c.438C>T, p.Gly146= (NM_001289751.1); c.438+371C>T (NM_001289752.1).
Identifiers: ClinVar variation 510967 (VCV000510967.25), dbSNP rs144351432, ClinGen allele CA4434486.

ClinVar aggregate classification (germline): Benign/Likely benign. Review status: criteria provided, multiple submitters, no conflicts (2 of 4 stars). 9 submissions from 7 submitters: Benign (1); Likely benign (6). 2 of the submissions do not count toward it. Last evaluated 2026-06-01.

Conditions:
Pyruvate dehydrogenase complex deficiency (PDHC). Also called: Pyruvate dehydrogenase deficiency; Ataxia with lactic acidosis 1; PYRUVATE DECARBOXYLASE DEFICIENCY; Pyruvate Dehydrogenase Complex Deficiency Disease; PDH DEFICIENCY. Identifiers: Orphanet 765, Orphanet 79243, MedGen C0034345, MONDO:0019169.
Pyruvate dehydrogenase E3 deficiency (DLDD). Also called: Dihydrolipoamide Dehydrogenase E3 Deficiency; DLD DEFICIENCY; E3 DEFICIENCY; Lipoamide dehydrogenase deficiency, lactic acidosis due to; Lipoamide dehydrogenase deficiency; Dihydrolipoamide Dehydrogenase Deficiency. Identifiers: Orphanet 2394, Orphanet 765, MedGen C5574660, MONDO:0009529, OMIM 246900.
Leigh syndrome (NULS). Also called: Subacute necrotizing encephalopathy; Necrotizing encephalopathy infantile subacute of Leigh; LEIGH SYNDROME, NUCLEAR; Leigh's necrotizing encephalopathy; Leigh's disease; Leigh Syndrome (mtDNA deletion). Identifiers: Orphanet 506, MedGen C2931891, MONDO:0009723, OMIM 256000.

Allele frequency attached by ClinVar (database versions not stated): gnomAD exomes 0.00064; ExAC 0.00084; ESP Exome Variant Server 0.00208; gnomAD 0.00224 and 0.00241; TOPMed 0.00245; 1000 Genomes Project 0.00339; 1000 Genomes Project 30x 0.00344.
gnomAD v4.1: 705 of 1,613,528 alleles (0.044%); highest among the groups gnomAD compares: African/African-American, 0.71%; 3 homozygotes.

Submissions (9):

CeGaT Center for Human Genetics Tuebingen
Classification: Likely benign. Last evaluated: 2026-06-01. Review status: criteria provided, single submitter. Criteria: CeGaT Center For Human Genetics Tuebingen Variant Classification Criteria Version 2. Collection method: clinical testing. Allele origin: germline. Affected: yes. Observed: 1 variant allele.
Comment: DLD: BP4, BP7

Labcorp Genetics (formerly Invitae), Labcorp
Classification: Benign for Pyruvate dehydrogenase E3 deficiency. Last evaluated: 2026-01-19. Review status: criteria provided, single submitter. Criteria: Invitae Variant Classification Sherloc (09022015). Collection method: clinical testing. Allele origin: germline.

Mayo Clinic Laboratories, Mayo Clinic
Classification: Likely benign. Last evaluated: 2025-01-13. Review status: criteria provided, single submitter. Criteria: ACMG Guidelines, 2015. Collection method: clinical testing. Allele origin: germline. Observed: 1 variant allele.
Comment: BS1, BP4, BP7

GeneDx
Classification: Likely benign. Last evaluated: 2021-01-25. Review status: criteria provided, single submitter. Criteria: GeneDx Variant Classification Process June 2021. Collection method: clinical testing. Allele origin: germline. Affected: yes.

Illumina Laboratory Services, Illumina
Classification: Likely benign for Pyruvate dehydrogenase E3 deficiency. Last evaluated: 2018-01-13. Review status: criteria provided, single submitter. Criteria: ICSL Variant Classification Criteria 13 December 2019. Collection method: clinical testing. Allele origin: germline.
Comment: This variant was observed in the ICSL laboratory as part of a predisposition screen in an ostensibly healthy population. It had not been previously curated by ICSL or reported in the Human Gene Mutation Database (HGMD: prior to June 1st, 2018), and was therefore a candidate for classification through an automated scoring system. Utilizing variant allele frequency, disease prevalence and penetrance estimates, and inheritance mode, an automated score was calculated to assess if this variant is too frequent to cause the disease. Based on the score and internal cut-off values, a variant classified as likely benign is not then subjected to further curation. The score for this variant resulted in a classification of likely benign for this disease.

Illumina Laboratory Services, Illumina
Classification: Likely benign for Pyruvate dehydrogenase complex deficiency. Last evaluated: 2018-01-13. Review status: criteria provided, single submitter. Criteria: ICSL Variant Classification Criteria 13 December 2019. Collection method: clinical testing. Allele origin: germline.
Comment: the same text as in the submission from Illumina Laboratory Services, Illumina above.

Illumina Laboratory Services, Illumina
Classification: Likely benign for Leigh syndrome. Last evaluated: 2018-01-13. Review status: criteria provided, single submitter. Criteria: ICSL Variant Classification Criteria 13 December 2019. Collection method: clinical testing. Allele origin: germline.
Comment: the same text as in the submission from Illumina Laboratory Services, Illumina above.

Clinical Genetics DNA and cytogenetics Diagnostics Lab, Erasmus MC, Erasmus Medical Center
Classification: Likely benign. Review status: no assertion criteria provided. Collection method: clinical testing. Allele origin: germline. Affected: yes. Study: VKGL Data-share Consensus. Not counted in ClinVar's aggregate classification.

Diagnostic Laboratory, Department of Genetics, University Medical Center Groningen
Classification: Likely benign. Review status: no assertion criteria provided. Collection method: clinical testing. Allele origin: germline. Affected: yes. Study: VKGL Data-share Consensus. Not counted in ClinVar's aggregate classification.